The following is an entry in ClinVar:

ClinVar aggregate classification (germline): Uncertain significance (1 of 4 stars; one submission).

Conditions:
Marfan syndrome (MFS). Also called: MARFAN SYNDROME, TYPE I; Marfan syndrome type 1; Marfan's syndrome; Marfan syndrome, classic; FBN1-Related Marfan Syndrome. Identifiers: Orphanet 284963, Orphanet 558, MedGen C0024796, MONDO:0007947, OMIM 154700.

Submission:

Neuberg Centre For Genomic Medicine, NCGM
Classification: Uncertain significance for Marfan syndrome. Review status: criteria provided, single submitter. Criteria: ACMG Guidelines, 2015. Collection method: clinical testing. Allele origin: germline. Inheritance: Autosomal dominant inheritance. Affected: yes.
Comment: The missense variant p.T1001N in FBN1 (NM_000138.5) has not been reported previously as a pathogenic variant nor as a benign variant, to our knowledge. The p.T1001N variant is novel (not in any individuals) in gnomAD Exomes and is novel (not in any individuals) in 1000 Genomes. The p.T1001N missense variant is predicted to be damaging by both SIFT and PolyPhen2. The nucleotide c.3002 in FBN1 is predicted conserved by GERP++ and PhyloP across 100 vertebrates. For these reasons, this variant has been classified as Uncertain Significance.

NM_000138.5(FBN1):c.3002C>A (p.Thr1001Asn)

Gene: FBN1 (fibrillin 1; minus strand). Cytogenetic location: 15q21.1.
Variant type: single nucleotide variant.
Coding change: c.3002C>A on transcript NM_000138.5 (MANE Select); coding-DNA position 3002, C replaced by A.
Protein change: p.Thr1001Asn; replaces threonine 1001 with asparagine.
Molecular consequence: missense variant.
Genome position (GRCh38, 1-based): chr15:48,489,931, G>T on the plus strand (C>A on the coding strand, the complement: FBN1 is on the minus strand). VCF-style: chr15-48489931-G-T. GRCh37 (hg19) VCF-style: chr15-48782128-G-T.
Other names: c.3002C>A, p.Thr1001Asn (NM_001406716.1); short protein forms T1001N.
Identifiers: ClinVar variation 2627465 (VCV002627465.1), dbSNP rs2505557958, ClinGen allele CA392329102.